The following is an entry in ClinVar:

ClinVar aggregate classification (germline): Uncertain significance (1 of 4 stars; one submission).

Submission:

Ambry Genetics
Classification: Uncertain significance. Last evaluated: 2022-11-20. Review status: criteria provided, single submitter. Criteria: Ambry Variant Classification Scheme 2023. Collection method: clinical testing. Allele origin: germline.
Comment: The p.A1289D variant (also known as c.3866C>A), located in coding exon 17 of the NPAT gene, results from a C to A substitution at nucleotide position 3866. The alanine at codon 1289 is replaced by aspartic acid, an amino acid with dissimilar properties. This amino acid position is conserved. In addition, this alteration is predicted to be tolerated by in silico analysis. Since supporting evidence is limited at this time, the clinical significance of this alteration remains unclear.

NM_002519.3(NPAT):c.3866C>A (p.Ala1289Asp)

Gene: NPAT (nuclear protein, coactivator of histone transcription; minus strand). Cytogenetic location: 11q22.3.
Variant type: single nucleotide variant.
Coding change: c.3866C>A on transcript NM_002519.3 (MANE Select); coding-DNA position 3866, C replaced by A.
Protein change: p.Ala1289Asp; replaces alanine 1289 with aspartic acid.
Molecular consequence: missense variant.
Genome position (GRCh38, 1-based): chr11:108,161,220, G>T on the plus strand (C>A on the coding strand, the complement: NPAT is on the minus strand). VCF-style: chr11-108161220-G-T. GRCh37 (hg19) VCF-style: chr11-108031947-G-T.
Other names: c.3887C>A, p.Ala1296Asp (NM_001321307.1); short protein forms A1296D, A1289D.
Identifiers: ClinVar variation 2453735 (VCV002453735.2), dbSNP rs754396326, ClinGen allele CA382509875.